The following is an entry in ClinVar:

NC_000015.10:g.(?_92901218)_(93040513_?)del

Gene: CHD2 (chromodomain helicase DNA binding protein 2; plus strand). Cytogenetic location: 15q26.1.
Variant type: Deletion.
Identifiers: ClinVar variation 832822 (VCV000832822.1).

ClinVar aggregate classification (germline): Pathogenic (1 of 4 stars; one submission).

Conditions:
Developmental and epileptic encephalopathy 94 (DEE94). Also called: Epileptic encephalopathy, childhood-onset; CHD2-Related Neurodevelopmental Disorders. Identifiers: Orphanet 1942, Orphanet 2382, MedGen C3809278, MONDO:0014150, OMIM 615369.

Submission:

Labcorp Genetics (formerly Invitae), Labcorp
Classification: Pathogenic for Epileptic encephalopathy, childhood-onset. Last evaluated: 2019-09-23. Review status: criteria provided, single submitter. Criteria: Invitae Variant Classification Sherloc (09022015). Collection method: clinical testing. Allele origin: germline.
Comment: A gross deletion of the genomic region encompassing the full coding sequence of the CHD2 gene has been identified. The boundaries of this event are unknown as the deletion extends beyond the assayed region for this gene and therefore may encompass additional genes. Isolated whole-gene deletions of CHD2 have not been reported in the literature. However, larger copy number events that include this gene have been reported (PMID: 24932903, 22178256). Loss-of-function variants in CHD2 are known to be pathogenic (PMID: 23708187, 24207121). For these reasons, this variant has been classified as Pathogenic.

Literature cited by the submitters: PubMed 22178256; PubMed 24932903.